The following is an entry in ClinVar:

ClinVar aggregate classification (germline): Uncertain significance (1 of 4 stars; one submission).

Conditions:
Progressive myoclonic epilepsy. Also called: Familial progressive myoclonic epilepsy; Myoclonus epilepsy; Progressive myoclonus epilepsy; Myoclonic Epilepsies, Progressive. Identifiers: Orphanet 308, Orphanet 98261, MedGen C0751778, MONDO:0020074.

Allele frequency attached by ClinVar (database versions not stated): gnomAD exomes below 0.00001.
gnomAD v4.1: 1 of 1,614,188 alleles (0.000062%); highest among the groups gnomAD compares: Non-Finnish European, 0.000085%; no homozygotes.

Submission:

Labcorp Genetics (formerly Invitae), Labcorp
Classification: Uncertain significance for Progressive myoclonic epilepsy. Last evaluated: 2022-03-11. Review status: criteria provided, single submitter. Criteria: Invitae Variant Classification Sherloc (09022015). Collection method: clinical testing. Allele origin: germline.
Comment: This variant has not been reported in the literature in individuals affected with SCARB2-related conditions. In summary, the available evidence is currently insufficient to determine the role of this variant in disease. Therefore, it has been classified as a Variant of Uncertain Significance. Algorithms developed to predict the effect of missense changes on protein structure and function are either unavailable or do not agree on the potential impact of this missense change (SIFT: "Deleterious"; PolyPhen-2: "Benign"; Align-GVGD: "Class C25"). This variant is not present in population databases (gnomAD no frequency). This sequence change replaces tyrosine, which is neutral and polar, with cysteine, which is neutral and slightly polar, at codon 440 of the SCARB2 protein (p.Tyr440Cys).

NM_005506.4(SCARB2):c.1319A>G (p.Tyr440Cys)

Gene: SCARB2 (scavenger receptor class B member 2; minus strand). Cytogenetic location: 4q21.1.
Variant type: single nucleotide variant.
Coding change: c.1319A>G on transcript NM_005506.4 (MANE Select); coding-DNA position 1319, A replaced by G.
Protein change: p.Tyr440Cys; replaces tyrosine 440 with cysteine.
Molecular consequence: missense variant.
Genome position (GRCh38, 1-based): chr4:76,163,304, T>C on the plus strand (A>G on the coding strand, the complement: SCARB2 is on the minus strand). VCF-style: chr4-76163304-T-C. GRCh37 (hg19) VCF-style: chr4-77084457-T-C.
Other names: c.890A>G, p.Tyr297Cys (NM_001204255.2); short protein forms Y440C, Y297C.
Identifiers: ClinVar variation 2066434 (VCV002066434.4), dbSNP rs2476210633, ClinGen allele CA357313432.
Genomic context (GRCh38, chr4:76,163,304, plus strand): 5'-CCTTTGCATGCAAGCCAGGTAAAAACCAAACCAAAGAACACACCCAGCGCCATGATGATG[T>C]AGGGTATGTTGGTGATGATCAAAGTAGTGTTAATCATAGACTTCAGTCGACTCGCCGTCT-3'
Protein context (NP_005497.1, residues 430-450): NTTLIITNIP[Tyr440Cys]IIMALGVFFG